The following is an entry in ClinVar:

ClinVar aggregate classification (germline): Likely benign. Review status: criteria provided, multiple submitters, no conflicts (2 of 4 stars). 2 submissions from 2 submitters: Likely benign (2). Last evaluated 2024-09-01.

Conditions:
X-linked severe congenital neutropenia (SCNX). Identifiers: Orphanet 86788, MedGen C1845987, MONDO:0010294, OMIM 300299.
Thrombocytopenia 1. Also called: THROMBOCYTOPENIA, X-LINKED, 1; X-Linked Thrombocytopenia (XLT); X-linked thrombocytopenia with normal platelets. Identifiers: Orphanet 268322, Orphanet 852, MedGen C1839163, MONDO:0010743, OMIM 313900.
Wiskott-Aldrich syndrome (WAS). Also called: ALDRICH SYNDROME; IMMUNODEFICIENCY 2; WISKOTT-ALDRICH SYNDROME 1; Wiskott-aldrich syndrome, somatic. Identifiers: Orphanet 906, MedGen C0043194, MONDO:0010518, OMIM 301000.

Submissions (2):

CeGaT Center for Human Genetics Tuebingen
Classification: Likely benign. Last evaluated: 2024-09-01. Review status: criteria provided, single submitter. Criteria: CeGaT Center For Human Genetics Tuebingen Variant Classification Criteria Version 2. Collection method: clinical testing. Allele origin: germline. Affected: yes. Observed: 4 variant alleles.
Comment: WAS: BP4, BP7

Labcorp Genetics (formerly Invitae), Labcorp
Classification: Likely benign for Wiskott-Aldrich syndrome; X-linked severe congenital neutropenia; Thrombocytopenia 1. Last evaluated: 2024-02-19. Review status: criteria provided, single submitter. Criteria: Invitae Variant Classification Sherloc (09022015). Collection method: clinical testing. Allele origin: germline.

NM_000377.3(WAS):c.1074A>C (p.Gly358=)

Gene: WAS (WASP actin nucleation promoting factor; plus strand). Cytogenetic location: Xp11.23.
Variant type: single nucleotide variant.
Coding change: c.1074A>C on transcript NM_000377.3 (MANE Select); coding-DNA position 1074, A replaced by C.
Protein change: p.Gly358=; no amino-acid change (glycine 358 retained).
Molecular consequence: synonymous variant.
Genome position (GRCh38, 1-based): chrX:48,688,802, A>C. VCF-style: chrX-48688802-A-C. GRCh37 (hg19) VCF-style: chrX-48547191-A-C.
Identifiers: ClinVar variation 2579093 (VCV002579093.28), dbSNP rs1602179346, ClinGen allele CA516356379.
Genomic context (GRCh38, chrX:48,688,802, plus strand): 5'-TTCTGGTCCACTGCCCCCTGTACCTTTGGGGATTGCCCCACCCCCACCAACACCCCGGGG[A>C]CCCCCACCCCCAGGCCGAGGGGGCCCTCCACCACCACCCCCTCCAGCTACTGGACGTTCT-3'
Protein context (NP_000368.1, residues 348-368): GIAPPPPTPR[Gly358=]PPPPGRGGPP